The following is an entry in ClinVar:

NM_182961.4(SYNE1):c.22044+1G>A

Gene: SYNE1 (spectrin repeat containing nuclear envelope protein 1; minus strand). Cytogenetic location: 6q25.2.
Variant type: single nucleotide variant.
Coding change: c.22044+1G>A on transcript NM_182961.4 (MANE Select); the canonical splice donor site of the intron after coding-DNA position 22044, G replaced by A.
Molecular consequence: splice donor variant.
Genome position (GRCh38, 1-based): chr6:152,219,002, C>T on the plus strand (G>A on the coding strand, the complement: SYNE1 is on the minus strand). VCF-style: chr6-152219002-C-T. GRCh37 (hg19) VCF-style: chr6-152540137-C-T.
Other names: c.21831+1G>A (NM_033071.5).
Identifiers: ClinVar variation 1325161 (VCV001325161.6), dbSNP rs1372915935, ClinGen allele CA366102916.

ClinVar aggregate classification (germline): Likely pathogenic. Review status: criteria provided, multiple submitters, no conflicts (2 of 4 stars). 2 submissions from 2 submitters: Likely pathogenic (2). Last evaluated 2024-04-16.

Conditions:
Autosomal recessive ataxia, Beauce type. Also called: SYNE1-Related Autosomal Recessive Cerebellar Ataxia; SYNE1 Deficiency; Spinocerebellar ataxia, autosomal recessive 8; ATAXIA, RECESSIVE, OF BEAUCE. Identifiers: Orphanet 88644, MedGen C1853116, MONDO:0012549, OMIM 610743.
Emery-Dreifuss muscular dystrophy 4, autosomal dominant (EDMD4). Also called: EMERY-DREIFUSS MUSCULAR DYSTROPHY 4 WITH VARIABLE FEATURES. Identifiers: Orphanet 261, MedGen C2751807, MONDO:0013071, OMIM 612998.

Submissions (2):

Labcorp Genetics (formerly Invitae), Labcorp
Classification: Likely pathogenic for Emery-Dreifuss muscular dystrophy 4, autosomal dominant; Autosomal recessive ataxia, Beauce type. Last evaluated: 2024-04-16. Review status: criteria provided, single submitter. Criteria: Invitae Variant Classification Sherloc (09022015). Collection method: clinical testing. Allele origin: germline.
Comment: This sequence change affects a donor splice site in intron 119 of the SYNE1 gene. It is expected to disrupt RNA splicing. Variants that disrupt the donor or acceptor splice site typically lead to a loss of protein function (PMID: 16199547), and loss-of-function variants in SYNE1 are known to be pathogenic (PMID: 19542096, 24319099, 27086870). This variant is not present in population databases (gnomAD no frequency). This variant has not been reported in the literature in individuals affected with SYNE1-related conditions. ClinVar contains an entry for this variant (Variation ID: 1325161). Algorithms developed to predict the effect of sequence changes on RNA splicing suggest that this variant may disrupt the consensus splice site. In summary, the currently available evidence indicates that the variant is pathogenic, but additional data are needed to prove that conclusively. Therefore, this variant has been classified as Likely Pathogenic.

Revvity Omics, Revvity
Classification: Likely pathogenic. Last evaluated: 2021-03-24. Review status: criteria provided, single submitter. Criteria: ACMG Guidelines, 2015. Collection method: clinical testing. Allele origin: germline.

Literature cited by the submitters: PubMed 16199547 (cited by Labcorp Genetics (formerly Invitae), Labcorp); PubMed 19542096 (cited by Labcorp Genetics (formerly Invitae), Labcorp); PubMed 24319099 (cited by Labcorp Genetics (formerly Invitae), Labcorp); PubMed 27086870 (cited by Labcorp Genetics (formerly Invitae), Labcorp).